The following is an entry in ClinVar:

ClinVar aggregate classification (germline): Likely benign (0 of 4 stars; one submission).

Conditions:
POMT1-related disorder. Also called: POMT1-related disorders; POMT1-related condition.

gnomAD v4.1: 110 of 1,613,974 alleles (0.0068%); highest among the groups gnomAD compares: Non-Finnish European, 0.0091%; no homozygotes.

Submission:

PreventionGenetics, part of Exact Sciences
Classification: Likely benign for POMT1-related condition. Last evaluated: 2019-07-03. Review status: no assertion criteria provided. Collection method: clinical testing. Allele origin: germline.
Comment: This variant is classified as likely benign based on ACMG/AMP sequence variant interpretation guidelines (Richards et al. 2015 PMID: 25741868, with internal and published modifications).

NM_001077365.2(POMT1):c.-28C>T

Gene: POMT1 (protein O-mannosyltransferase 1; plus strand). Cytogenetic location: 9q34.13.
Variant type: single nucleotide variant.
Coding change: c.-28C>T on transcript NM_001077365.2 (MANE Select); 28 bases upstream of the start codon, C replaced by T.
Molecular consequence: 5 prime UTR variant. On other transcripts: non-coding transcript variant (4), intron variant (10).
Genome position (GRCh38, 1-based): chr9:131,504,191, C>T. VCF-style: chr9-131504191-C-T. GRCh37 (hg19) VCF-style: chr9-134379578-C-T.
Other names: c.-28C>T (NM_001136113.2, NM_001353193.2, NM_001353196.2 and 2 more transcripts); c.-272C>T (NM_001353195.2); c.-499C>T (NM_001353198.2); c.-221C>T (NM_001374692.1); c.-179C>T (NM_001374695.1); c.-41+878C>T (NM_001353194.2); c.-72+878C>T (NM_001374691.1); c.-41+1118C>T (NM_001374689.1, NM_001353197.2, NM_001077366.2 and 1 more transcripts); and 3 more.
Identifiers: ClinVar variation 3042695 (VCV003042695.2), dbSNP rs376180150, ClinGen allele CA5293118.
Genomic context (GRCh38, chr9:131,504,191, plus strand): 5'-TCCCTTCTGTAGCCTCTCGTGAGCCCTCATGGACCACGGCTCCTCCCTTCTTTTCTAGGG[C>T]GTCTGCCTGAGCCCGCTTTTCTACAAGATGTGGGGATTTTTGAAGCGCCCTGTAGTGGTG-3'